The following is an entry in ClinVar:

NM_015272.5(RPGRIP1L):c.2599GAT[1] (p.Asp868del)

Gene: RPGRIP1L (RPGRIP1 like; minus strand). Cytogenetic location: 16q12.2.
Variant type: Microsatellite.
Coding change: c.2599GAT[1] on transcript NM_015272.5 (MANE Select); one copy of the 3-base unit GAT starting at c.2599; the reference has two copies in a row; one copy, 3 bases deleted.
Protein change: p.Asp868del; deletes aspartic acid 868.
Molecular consequence: inframe deletion.
Genome position (GRCh38, 1-based): chr16:53,645,704-53,645,706, ATC deleted on the plus strand (GAT on the coding strand, the reverse complement: RPGRIP1L is on the minus strand); deleting any 3 consecutive bases within chr16:53,645,704-53,645,710 gives the same sequence; the position shown is the placement nearest the transcript's 3' end. VCF-style (leftmost placement, unchanged base first): chr16-53645703-TATC-T. GRCh37 (hg19) VCF-style: chr16-53679615-TATC-T.
Other names: c.2602_2604delGAT (NM_015272.4); c.2599GAT[1], p.Asp868del (NM_001127897.4, NM_001308334.3, NM_001330538.2); short protein forms D868del.
Identifiers: ClinVar variation 1331265 (VCV001331265.3), dbSNP rs2151082025, ClinGen allele CA2580613479.
Genomic context (GRCh38, chr16:53,645,703, plus strand): 5'-GTGCCAACGAAATCAGAGGCACATTGACTTTTCCTATGTAAATATTCTCCTGGGTATCAC[TATC>T]ATCAAAAACATAAAAACTCAGAGACTCTGACTTAAGGTATCGATCCAAGTCCATATTCAT-3'

ClinVar aggregate classification (germline): Uncertain significance. Review status: criteria provided, multiple submitters, no conflicts (2 of 4 stars). 2 submissions from 2 submitters: Uncertain significance (2). Last evaluated 2024-11-20.

Conditions:
RPGRIP1L-related disorder. Also called: RPGRIP1L-related condition; RPGRIP1L-related disorders. Identifiers: MedGen CN239416.

Submissions (2):

PreventionGenetics, part of Exact Sciences
Classification: Uncertain significance for RPGRIP1L-related condition. Last evaluated: 2024-11-20. Review status: criteria provided, single submitter. Criteria: ACMG Guidelines, 2015. Collection method: clinical testing. Allele origin: germline.
Comment: The RPGRIP1L c.2602_2604delGAT variant is predicted to result in an in-frame deletion (p.Asp868del). To our knowledge, this variant has not been reported in the literature or in a large population database, indicating this variant is rare. At this time, the clinical significance of this variant is uncertain due to the absence of conclusive functional and genetic evidence.

GeneDx
Classification: Uncertain significance. Last evaluated: 2021-06-29. Review status: criteria provided, single submitter. Criteria: GeneDx Variant Classification Process June 2021. Collection method: clinical testing. Allele origin: germline. Affected: yes.
Comment: Not observed at significant frequency in large population cohorts (Lek et al., 2016); In-frame deletion of 1 amino acids in a non-repeat region; In silico analysis supports a deleterious effect on protein structure/function; Has not been previously published as pathogenic or benign to our knowledge; This variant is associated with the following publications: (PMID: 27535533)